The following is an entry in ClinVar:

ClinVar aggregate classification (germline): Uncertain significance (1 of 4 stars; one submission).

Submission:

CeGaT Center for Human Genetics Tuebingen
Classification: Uncertain significance. Last evaluated: 2022-04-01. Review status: criteria provided, single submitter. Criteria: CeGaT Center For Human Genetics Tuebingen Variant Classification Criteria Version 2. Collection method: clinical testing. Allele origin: germline. Affected: yes. Observed: 1 variant allele.
Comment: LMNB1: PM2, BP4

NM_005573.4(LMNB1):c.536C>A (p.Ala179Glu)

Gene: LMNB1 (lamin B1; plus strand). Cytogenetic location: 5q23.2.
Variant type: single nucleotide variant.
Coding change: c.536C>A on transcript NM_005573.4 (MANE Select); coding-DNA position 536, C replaced by A.
Protein change: p.Ala179Glu; replaces alanine 179 with glutamic acid.
Molecular consequence: missense variant. On other transcripts: 5 prime UTR variant (1), non-coding transcript variant (1).
Genome position (GRCh38, 1-based): chr5:126,805,590, C>A. VCF-style: chr5-126805590-C-A. GRCh37 (hg19) VCF-style: chr5-126141282-C-A.
Other names: c.-95C>A (NM_001198557.2); short protein forms A179E.
Identifiers: ClinVar variation 1695138 (VCV001695138.31), dbSNP rs1185029241, ClinGen allele CA360718694.